The following is an entry in ClinVar:

NC_000006.12:g.(?_64066338)_(64082002_?)del

Gene: EYS (eyes shut homolog; minus strand). Cytogenetic location: 6q12.
Variant type: Deletion.
Identifiers: ClinVar variation 833030 (VCV000833030.1).

ClinVar aggregate classification (germline): Pathogenic (1 of 4 stars; one submission).

Submission:

Labcorp Genetics (formerly Invitae), Labcorp
Classification: Pathogenic. Last evaluated: 2020-01-13. Review status: criteria provided, single submitter. Criteria: Invitae Variant Classification Sherloc (09022015). Collection method: clinical testing. Allele origin: germline.
Comment: This variant is an out-of-frame deletion of the genomic region encompassing exons 32-33 of the EYS gene. This is expected to create a premature translational stop signal and result in an absent or disrupted protein product. A similar deletion of exons 32-33 has been observed to segregate with retinitis pigmentosa in a family (PMID: 20333770). Loss-of-function variants in EYS are known to be pathogenic (PMID: 18836446, 20333770). For these reasons, this variant has been classified as Pathogenic.

Literature cited by the submitters: PubMed 20333770.